The following is an entry in ClinVar:

ClinVar aggregate classification (germline): Likely benign (1 of 4 stars; one submission).

Allele frequency attached by ClinVar (database versions not stated): ExAC 0.00012; ESP Exome Variant Server 0.00015; gnomAD 0.00015; TOPMed 0.00016; gnomAD exomes 0.00031.
gnomAD v4.1: 499 of 1,613,998 alleles (0.031%); highest among the groups gnomAD compares: South Asian, 0.038%; no homozygotes.

Submission:

CeGaT Center for Human Genetics Tuebingen
Classification: Likely benign. Last evaluated: 2022-09-01. Review status: criteria provided, single submitter. Criteria: CeGaT Center For Human Genetics Tuebingen Variant Classification Criteria Version 2. Collection method: clinical testing. Allele origin: germline. Affected: yes. Observed: 1 variant allele.
Comment: ZFHX3: BP4, BP7

NM_006885.4(ZFHX3):c.4917T>G (p.Thr1639=)

Genes: ZFHX3 (zinc finger homeobox 3; minus strand), ZFHX3-AS1 (ZFHX3 antisense RNA 1; plus strand). Cytogenetic location: 16q22.2.
Variant type: single nucleotide variant.
Coding change: c.4917T>G on transcript NM_006885.4 (MANE Select); coding-DNA position 4917, T replaced by G.
Protein change: p.Thr1639=; no amino-acid change (threonine 1639 retained).
Molecular consequence: synonymous variant.
Genome position (GRCh38, 1-based): chr16:72,797,765, A>C on the plus strand (T>G on the coding strand, the complement: ZFHX3 is on the minus strand). VCF-style: chr16-72797765-A-C. GRCh37 (hg19) VCF-style: chr16-72831664-A-C.
Other names: c.2175T>G, p.Thr725= (NM_001164766.2); c.4917T>G, p.Thr1639= (NM_001386735.1).
Identifiers: ClinVar variation 2646830 (VCV002646830.24), dbSNP rs150256390, ClinGen allele CA8163716.